The following is an entry in ClinVar:

NM_001048166.1(STIL):c.199C>T (p.Arg67Cys)

Gene: STIL (STIL centriolar assembly protein; minus strand). Cytogenetic location: 1p33.
Variant type: single nucleotide variant.
Coding change: c.199C>T on transcript NM_001048166.1 (MANE Select); coding-DNA position 199, C replaced by T.
Protein change: p.Arg67Cys; replaces arginine 67 with cysteine.
Molecular consequence: missense variant.
Genome position (GRCh38, 1-based): chr1:47,302,300, G>A on the plus strand (C>T on the coding strand, the complement: STIL is on the minus strand). VCF-style: chr1-47302300-G-A. GRCh37 (hg19) VCF-style: chr1-47767972-G-A.
Other names: c.199C>T, p.Arg67Cys (NM_001282936.1, NM_001282937.1, NM_001282938.1 and 3 more transcripts); short protein forms R67C.
Identifiers: ClinVar variation 1437821 (VCV001437821.8), dbSNP rs542287422, ClinGen allele CA842657.

ClinVar aggregate classification (germline): Uncertain significance. Review status: criteria provided, multiple submitters, no conflicts (2 of 4 stars). 2 submissions from 2 submitters: Uncertain significance (2). Last evaluated 2025-09-24.

Conditions:
Inborn genetic diseases. Identifiers: MedGen C0950123, MeSH D030342.

Allele frequency attached by ClinVar (database versions not stated): gnomAD exomes 0.00004; TOPMed 0.00006; ExAC 0.00007; gnomAD 0.00009 and 0.00010; 1000 Genomes Project 0.00020; 1000 Genomes Project 30x 0.00016.
gnomAD v4.1: 31 of 1,614,070 alleles (0.0019%); highest among the groups gnomAD compares: African/African-American, 0.027%; no homozygotes.

Submissions (2):

Ambry Genetics
Classification: Uncertain significance for Inborn genetic diseases. Last evaluated: 2025-09-24. Review status: criteria provided, single submitter. Criteria: Ambry Variant Classification Scheme 2023. Collection method: clinical testing. Allele origin: germline.

Labcorp Genetics (formerly Invitae), Labcorp
Classification: Uncertain significance. Last evaluated: 2021-06-06. Review status: criteria provided, single submitter. Criteria: Invitae Variant Classification Sherloc (09022015). Collection method: clinical testing. Allele origin: germline.
Comment: In summary, the available evidence is currently insufficient to determine the role of this variant in disease. Therefore, it has been classified as a Variant of Uncertain Significance. Algorithms developed to predict the effect of missense changes on protein structure and function (SIFT, PolyPhen-2, Align-GVGD) all suggest that this variant is likely to be disruptive, but these predictions have not been confirmed by published functional studies and their clinical significance is uncertain. This variant has not been reported in the literature in individuals with STIL-related conditions. This variant is present in population databases (rs542287422, ExAC 0.03%). This sequence change replaces arginine with cysteine at codon 67 of the STIL protein (p.Arg67Cys). The arginine residue is highly conserved and there is a large physicochemical difference between arginine and cysteine.